The following is an entry in ClinVar:

NM_001042413.2(GLIS3):c.2765A>T (p.Gln922Leu)

Gene: GLIS3 (GLIS family zinc finger 3; minus strand). Cytogenetic location: 9p24.2.
Variant type: single nucleotide variant.
Coding change: c.2765A>T on transcript NM_001042413.2 (MANE Select); coding-DNA position 2765, A replaced by T.
Protein change: p.Gln922Leu; replaces glutamine 922 with leucine.
Molecular consequence: missense variant.
Genome position (GRCh38, 1-based): chr9:3,828,300, T>A on the plus strand (A>T on the coding strand, the complement: GLIS3 is on the minus strand). VCF-style: chr9-3828300-T-A. GRCh37 (hg19) VCF-style: chr9-3828300-T-A.
Other names: c.2300A>T, p.Gln767Leu (NM_152629.4); short protein forms Q922L, Q767L.
Identifiers: ClinVar variation 393412 (VCV000393412.1), dbSNP rs1057524895, ClinGen allele CA16609258.

ClinVar aggregate classification (germline): Uncertain significance (1 of 4 stars; one submission).

Conditions:
Monogenic diabetes. Identifiers: Orphanet 183625, MedGen C3888631, MONDO:0015967.

Allele frequency attached by ClinVar (database versions not stated): gnomAD exomes below 0.00001.
gnomAD v4.1: 2 of 1,614,112 alleles (0.00012%); highest among the groups gnomAD compares: South Asian, 0.0022%; no homozygotes.

Submission:

Personalized Diabetes Medicine Program, University of Maryland School of Medicine
Classification: Uncertain significance for Monogenic diabetes. Last evaluated: 2016-03-01. Review status: criteria provided, single submitter. Criteria: ACMG Guidelines, 2015. Collection method: research. Allele origin: unknown. Observed: 1 variant allele, 1 heterozygote.
Comment: ACMG Criteria: PM2, PP3, BP4